The following is an entry in ClinVar:

ClinVar aggregate classification (germline): Likely pathogenic (1 of 4 stars; one submission).

Conditions:
Biotin-responsive basal ganglia disease (BTBGD). Also called: Thiamine metabolism dysfunction syndrome type 2; Thiamine metabolism dysfunction syndrome 2 (biotin- or thiamine-responsive encephalopathy type 2); thiamine-responsive encephalopathy; Thiamine Transporter-2 Deficiency; THIAMINE METABOLISM DYSFUNCTION SYNDROME 2 (BIOTIN- AND THIAMINE-RESPONSIVE TYPE). Identifiers: Orphanet 199348, Orphanet 65284, MedGen C1843807, MONDO:0011841, OMIM 607483.

Submission:

Labcorp Genetics (formerly Invitae), Labcorp
Classification: Likely pathogenic for Biotin-responsive basal ganglia disease. Last evaluated: 2026-01-11. Review status: criteria provided, single submitter. Criteria: Invitae Variant Classification Sherloc (09022015). Collection method: clinical testing. Allele origin: germline.
Comment: This sequence change affects an acceptor splice site in intron 2 of the SLC19A3 gene. It is expected to disrupt RNA splicing. Variants that disrupt the donor or acceptor splice site typically lead to a loss of protein function (PMID: 16199547), and loss-of-function variants in SLC19A3 are known to be pathogenic (PMID: 23423671, 23482991). This variant is not present in population databases (gnomAD no frequency). This variant has not been reported in the literature in individuals affected with SLC19A3-related conditions. Algorithms developed to predict the effect of sequence changes on RNA splicing suggest that this variant may disrupt the consensus splice site. In summary, the currently available evidence indicates that the variant is pathogenic, but additional data are needed to prove that conclusively. Therefore, this variant has been classified as Likely Pathogenic.

Literature cited by the submitters: PubMed 16199547; PubMed 23423671; PubMed 23482991.

NM_025243.4(SLC19A3):c.151-1G>A

Gene: SLC19A3 (solute carrier family 19 member 3; minus strand). Cytogenetic location: 2q36.3.
Variant type: single nucleotide variant.
Coding change: c.151-1G>A on transcript NM_025243.4 (MANE Select); the canonical splice acceptor site of the intron before coding-DNA position 151, G replaced by A.
Molecular consequence: splice acceptor variant.
Genome position (GRCh38, 1-based): chr2:227,699,565, C>T on the plus strand (G>A on the coding strand, the complement: SLC19A3 is on the minus strand). VCF-style: chr2-227699565-C-T. GRCh37 (hg19) VCF-style: chr2-228564281-C-T.
Other names: c.139-1G>A (NM_001371413.1, NM_001371414.1); c.151-1G>A (NM_001371411.1, NM_001371412.1).
Identifiers: ClinVar variation 4734684 (VCV004734684.2).